The following is an entry in ClinVar:

ClinVar aggregate classification (germline): Uncertain significance (1 of 4 stars; one submission).

Submission:

GeneDx
Classification: Uncertain significance. Last evaluated: 2025-05-25. Review status: criteria provided, single submitter. Criteria: GeneDx Variant Classification Process June 2021. Collection method: clinical testing. Allele origin: germline. Affected: yes.
Comment: Not observed at significant frequency in large population cohorts (gnomAD); In silico analysis suggests that this missense variant does not alter protein structure/function; Has not been previously published as pathogenic or benign to our knowledge

NM_001130004.2(ACTN1):c.2681C>G (p.Ser894Cys)

Gene: ACTN1 (actinin alpha 1; minus strand). Cytogenetic location: 14q24.1.
Variant type: single nucleotide variant.
Coding change: c.2681C>G on transcript NM_001130004.2 (MANE Select); coding-DNA position 2681, C replaced by G.
Protein change: p.Ser894Cys; replaces serine 894 with cysteine.
Molecular consequence: missense variant.
Genome position (GRCh38, 1-based): chr14:68,874,923, G>C on the plus strand (C>G on the coding strand, the complement: ACTN1 is on the minus strand). VCF-style: chr14-68874923-G-C. GRCh37 (hg19) VCF-style: chr14-69341640-G-C.
Other names: c.2615C>G, p.Ser872Cys (NM_001102.4); c.2600C>G, p.Ser867Cys (NM_001130005.2); c.2624C>G, p.Ser875Cys (NM_001411035.1); c.2420C>G, p.Ser807Cys (NM_001411036.1, NM_001424026.1); c.2744C>G, p.Ser915Cys (NM_001424012.1); c.2741C>G, p.Ser914Cys (NM_001424013.1); c.2729C>G, p.Ser910Cys (NM_001424014.1); c.2702C>G, p.Ser901Cys (NM_001424015.1); and 14 more; short protein forms S597C, S784C, S802C, S806C, S807C, S811C, S833C, S845C.
Identifiers: ClinVar variation 4532451 (VCV004532451.1).
Genomic context (GRCh38, chr14:68,874,923, plus strand): 5'-AGGTCACTCTCGCCGTACAGCGCCGTGGAGAAGGACATGTAGTCCAGAGCACCTGGCACG[G>C]AGTCGGGGCCGGTGTAGGGGGCCATCCGCGCGATGCAGTACTCAGCCTGGTCGGGTGGCA-3'
Protein context (NP_001123476.1, residues 884-904): ARMAPYTGPD[Ser894Cys]VPGALDYMSF